The following is an entry in ClinVar:

ClinVar aggregate classification (germline): Likely benign. Review status: criteria provided, multiple submitters, no conflicts (2 of 4 stars). 3 submissions from 3 submitters: Likely benign (2). 1 of the submissions does not count toward it. Last evaluated 2025-11-13.

Conditions:
DNAH9-related disorder. Also called: DNAH9-related condition.

Allele frequency attached by ClinVar (database versions not stated): ESP Exome Variant Server 0.00015; gnomAD 0.00015 and 0.00016; TOPMed 0.00018; gnomAD exomes 0.00022.
gnomAD v4.1: 312 of 1,489,334 alleles (0.021%); highest among the groups gnomAD compares: Middle Eastern, 0.034%; no homozygotes.

Submissions (3):

Labcorp Genetics (formerly Invitae), Labcorp
Classification: Likely benign. Last evaluated: 2025-11-13. Review status: criteria provided, single submitter. Criteria: Invitae Variant Classification Sherloc (09022015). Collection method: clinical testing. Allele origin: germline.

Blueprint Genetics
Classification: Likely benign. Last evaluated: 2024-08-15. Review status: criteria provided, single submitter. Criteria: ACMG Guidelines, 2015. Collection method: clinical testing. Allele origin: germline.

PreventionGenetics, part of Exact Sciences
Classification: Likely benign for DNAH9-related condition. Last evaluated: 2019-06-11. Review status: no assertion criteria provided. Collection method: clinical testing. Allele origin: germline. Not counted in ClinVar's aggregate classification.
Comment: This variant is classified as likely benign based on ACMG/AMP sequence variant interpretation guidelines (Richards et al. 2015 PMID: 25741868, with internal and published modifications).

NM_001372.4(DNAH9):c.1350+9G>A

Gene: DNAH9 (dynein axonemal heavy chain 9; plus strand). Cytogenetic location: 17p12.
Variant type: single nucleotide variant.
Coding change: c.1350+9G>A on transcript NM_001372.4 (MANE Select); 9 bases into the intron after coding-DNA position 1350, G replaced by A.
Molecular consequence: intron variant.
Genome position (GRCh38, 1-based): chr17:11,619,790, G>A. VCF-style: chr17-11619790-G-A. GRCh37 (hg19) VCF-style: chr17-11523107-G-A.
Other names: c.1350+9G>A (NM_001372.3).
Identifiers: ClinVar variation 1558029 (VCV001558029.11), dbSNP rs367768600, ClinGen allele CA8394807.